The following continues an entry in ClinVar:

NM_001943.5(DSG2):c.1003A>G (p.Thr335Ala)

ClinVar aggregate classification (germline): Conflicting classifications of pathogenicity. Pathogenic (1); Uncertain significance (14); Likely benign (6).

Submissions 21 to 22 of 22:

Center for Genomics, Ann and Robert H. Lurie Children's Hospital of Chicago
Classification: Uncertain significance for Dilated cardiomyopathy 1BB; Arrhythmogenic right ventricular dysplasia 10. Review status: criteria provided, single submitter. Criteria: ACMG Guidelines, 2015. Collection method: clinical testing. Allele origin: germline.
Comment: DSG2 NM_001943.4 exon 8 p.Thr335Ala (c.1003A>G): This variant has been reported in the literature in multiple individuals with ARVC in the heterozygous state (den Haan 2009 PMID:20031617, Christensen 2010 PMID:20864495, Xu 2010 PMID:20152563, Kapplinger 2011 PMID:21636032, te Riele 2013 PMID:23810894, Green 2015 PMID:25445213, Medeiros-Domingo 2017 PMID:27194543) as well as at least 2 individuals with ARVC in the homozygous state, segregating with disease in 4 affected family members (Rasmussen 2013 PMID:23381804, Rasmussen 2014 PMID:24704780, Qadri 2017 PMID:28818065). Of note, the literature states that all heterozygous carrier relatives of these homozygous probands are unaffected. This variant has also been identified in 2 individuals with DCM, segregating with disease in 1 affected family member (Garcia-Pavia 2011 PMID:21859740, Pugh 2014 PMID:24503780). This variant is present in 0.1% (29/25792) Finnish alleles in the Genome Aggregation Database and is present in ClinVar (Variation ID:44278). Evolutionary conservation and computational predictive tools for this variant are unclear. In vitro functional studies suggest that this variant may impact the protein (Rasmussen 2013 PMID:23381804). However, these studies may not accurately represent in vivo biological function. Due to contradictory evidence, the clinical significance of this variant is uncertain.

Genomics England Pilot Project, Genomics England
Classification: Likely pathogenic for Arrhythmogenic right ventricular dysplasia 10. Review status: flagged submission. Criteria: ACGS Guidelines, 2016. Collection method: clinical testing. Allele origin: germline. Affected: yes. Not counted in ClinVar's aggregate classification.
ClinVar note: Reason: Outlier claim with insufficient supporting evidence

Literature cited by the submitters: PubMed 20152563 (cited by 5 submitters); PubMed 20857253 (cited by Women's Health and Genetics/Laboratory Corporation of America, LabCorp); PubMed 21606396 (cited by 5 submitters); PubMed 21606390 (cited by 5 submitters); PubMed 20864495 (cited by 6 submitters); PubMed 23299917 (cited by Women's Health and Genetics/Laboratory Corporation of America, LabCorp and Eurofins Ntd Llc (ga)); PubMed 23861362 (cited by 5 submitters); PubMed 23381804 (cited by 7 submitters); PubMed 21859740 (cited by 5 submitters); PubMed 23871674 (cited by 5 submitters); PubMed 23810894 (cited by 4 submitters); PubMed 20031617 (cited by 8 submitters); PubMed 30790397 (cited by 5 submitters); PubMed 33673806 (cited by 3 submitters); PubMed 33919104 (cited by Women's Health and Genetics/Laboratory Corporation of America, LabCorp); PubMed 28818065 (cited by 6 submitters); PubMed 21636032 (cited by 4 submitters); PubMed 24704780 (cited by Labcorp Genetics (formerly Invitae), Labcorp and Mayo Clinic Laboratories, Mayo Clinic); PubMed 25445213 (cited by 4 submitters); PubMed 21553091 (cited by Mayo Clinic Laboratories, Mayo Clinic); PubMed 24503780 (cited by 3 submitters); PubMed 26230511 (cited by 3 submitters); PubMed 27194543 (cited by 3 submitters); PubMed 27930701 (cited by 3 submitters); PubMed 28255936 (cited by Mayo Clinic Laboratories, Mayo Clinic and Ambry Genetics); PubMed 31737537 (cited by Mayo Clinic Laboratories, Mayo Clinic); PubMed 33232181 (cited by Mayo Clinic Laboratories, Mayo Clinic and Ambry Genetics); PubMed 23071725 (cited by Victorian Clinical Genetics Services, Murdoch Childrens Research Institute); PubMed 33652588 (cited by Victorian Clinical Genetics Services, Murdoch Childrens Research Institute and Ambry Genetics); PubMed 34317382 (cited by Victorian Clinical Genetics Services, Murdoch Childrens Research Institute and Ambry Genetics); PubMed 35300203 (cited by Victorian Clinical Genetics Services, Murdoch Childrens Research Institute and Ambry Genetics); PubMed 23871885 (cited by Laboratory for Molecular Medicine, Mass General Brigham Personalized Medicine and Ambry Genetics); PubMed 23889974 (cited by Ambry Genetics); PubMed 28341588 (cited by Ambry Genetics); PubMed 31402444 (cited by Ambry Genetics); PubMed 32746448 (cited by Ambry Genetics).